The following is an entry in ClinVar:

ClinVar aggregate classification (germline): Likely pathogenic (1 of 4 stars; one submission).

Conditions:
Choanal atresia-athelia-hypothyroidism-delayed puberty-short stature syndrome (BCAHH). Also called: BRANCHIAL ARCH ABNORMALITIES, CHOANAL ATRESIA, ATHELIA, HEARING LOSS, AND HYPOTHYROIDISM SYNDROME. Identifiers: Orphanet 589856, MedGen C5680310, MONDO:0035651, OMIM 620186.
Kabuki syndrome 1 (KABUK1). Also called: KMT2D-Related Kabuki Syndrome. Identifiers: Orphanet 2322, MedGen CN030661, MONDO:0007843, OMIM 147920.

Submission:

Juno Genomics, Hangzhou Juno Genomics, Inc
Classification: Likely pathogenic for Choanal atresia-athelia-hypothyroidism-delayed puberty-short stature syndrome; Kabuki syndrome 1. Review status: criteria provided, single submitter. Criteria: ACMG Guidelines, 2015. Collection method: clinical testing. Allele origin: germline. Affected: yes.
Comment: Absent from controls (or at extremely low frequency if recessive) in Genome Aggregation Database, Exome Sequencing Project, 1000 Genomes Project, or Exome Aggregation Consortium.;Multiple lines of computational evidence support a deleterious effect on the gene or gene product (conservation, evolutionary, splicing impact, etc).;Missense variant in a gene that has a low rate of benign missense variation and where missense variants are a common mechanism of disease.;Assumed de novo, but without confirmation of paternity and maternity.;Located in a mutational hot spot and/or critical and well-established functional domain (e.g. active site of an enzyme) without benign variation.

NM_003482.4(KMT2D):c.15089G>T (p.Arg5030Leu)

Gene: KMT2D (lysine methyltransferase 2D; minus strand). Cytogenetic location: 12q13.12.
Variant type: single nucleotide variant.
Coding change: c.15089G>T on transcript NM_003482.4 (MANE Select); coding-DNA position 15089, G replaced by T.
Protein change: p.Arg5030Leu; replaces arginine 5030 with leucine.
Molecular consequence: missense variant.
Genome position (GRCh38, 1-based): chr12:49,026,877, C>A on the plus strand (G>T on the coding strand, the complement: KMT2D is on the minus strand). VCF-style: chr12-49026877-C-A. GRCh37 (hg19) VCF-style: chr12-49420660-C-A.
Other names: short protein forms R5030L.
Identifiers: ClinVar variation 3899377 (VCV003899377.2).